The following is an entry in ClinVar:

ClinVar aggregate classification (germline): Likely pathogenic (1 of 4 stars; one submission).

Conditions:
Leri-Weill dyschondrosteosis (LWD). Also called: Leri-Weill Dyschondrosteosis (LWD); Léri-Weill dyschondrosteosis; DYSCHONDROSTEOSIS. Identifiers: Orphanet 240, MedGen C0265309, MONDO:0007481, OMIM 127300.

Submission:

Human Genetics Bochum, Ruhr University Bochum
Classification: Likely pathogenic for Leri-Weill dyschondrosteosis. Last evaluated: 2024-04-11. Review status: criteria provided, single submitter. Criteria: ACMG Guidelines, 2015. Collection method: clinical testing. Allele origin: germline. Affected: yes.
Comment: ACMG criteria used to clasify this variant: PP3_STR, PM1, PM2_SUP

Literature cited by the submitters: PubMed 26984564.

NM_000451.4(SHOX):c.425C>G (p.Pro142Arg)

Genes: SHOX (SHOX homeobox; plus strand), LOC107652445 (meiotic recombination hotspot SHOX; plus strand). Cytogenetic location: Yp11.2.
Variant type: single nucleotide variant.
Coding change: c.425C>G on transcript NM_000451.4 (MANE Select); coding-DNA position 425, C replaced by G.
Protein change: p.Pro142Arg; replaces proline 142 with arginine.
Molecular consequence: missense variant.
Genome position (GRCh38, 1-based): chrX:634,765, C>G. VCF-style: chrX-634765-C-G. GRCh37 (hg19) VCF-style: chrX-595500-C-G.
Other names: c.425C>G, p.Pro142Arg (NM_006883.2); short protein forms P142R.
Identifiers: ClinVar variation 4688006 (VCV004688006.1).